The following is an entry in ClinVar:

NM_004540.5(NCAM2):c.1422T>C (p.Asn474=)

Gene: NCAM2 (neural cell adhesion molecule 2; plus strand). Cytogenetic location: 21q21.1.
Variant type: single nucleotide variant.
Coding change: c.1422T>C on transcript NM_004540.5 (MANE Select); coding-DNA position 1422, T replaced by C.
Protein change: p.Asn474=; no amino-acid change (asparagine 474 retained).
Molecular consequence: synonymous variant.
Genome position (GRCh38, 1-based): chr21:21,418,511, T>C. VCF-style: chr21-21418511-T-C. GRCh37 (hg19) VCF-style: chr21-22790831-T-C.
Other names: c.996T>C, p.Asn332= (NM_001352595.2); c.1422T>C, p.Asn474= (NM_001352596.2, NM_001352591.2, NM_001352593.2 and 1 more transcripts); c.1497T>C, p.Asn499= (NM_001352592.2).
Identifiers: ClinVar variation 3038921 (VCV003038921.2), dbSNP rs986371, ClinGen allele CA9985376.

ClinVar aggregate classification (germline): Benign (0 of 4 stars; one submission).

Conditions:
NCAM2-related disorder. Also called: NCAM2-related condition.

Allele frequency attached by ClinVar (database versions not stated): gnomAD exomes 0.00063; ExAC 0.00211; 1000 Genomes Project 0.00599; 1000 Genomes Project 30x 0.00656; gnomAD 0.00742; ESP Exome Variant Server 0.00863; TOPMed 0.00878.
gnomAD v4.1: 2,093 of 1,612,536 alleles (0.13%); highest among the groups gnomAD compares: African/African-American, 2.5%; 24 homozygotes.

Submission:

PreventionGenetics, part of Exact Sciences
Classification: Benign for NCAM2-related condition. Last evaluated: 2019-06-20. Review status: no assertion criteria provided. Collection method: clinical testing. Allele origin: germline.
Comment: This variant is classified as benign based on ACMG/AMP sequence variant interpretation guidelines (Richards et al. 2015 PMID: 25741868, with internal and published modifications).